The following is an entry in ClinVar:

NM_000287.4(PEX6):c.2667-2A>G

Gene: PEX6 (peroxisomal biogenesis factor 6; minus strand). Cytogenetic location: 6p21.1.
Variant type: single nucleotide variant.
Coding change: c.2667-2A>G on transcript NM_000287.4 (MANE Select); the canonical splice acceptor site of the intron before coding-DNA position 2667, A replaced by G.
Molecular consequence: splice acceptor variant.
Genome position (GRCh38, 1-based): chr6:42,964,931, T>C on the plus strand (A>G on the coding strand, the complement: PEX6 is on the minus strand). VCF-style: chr6-42964931-T-C. GRCh37 (hg19) VCF-style: chr6-42932669-T-C.
Other names: c.2403-2A>G (NM_001316313.2).
Identifiers: ClinVar variation 970531 (VCV000970531.8), dbSNP rs267608249, ClinGen allele CA138221524.

ClinVar aggregate classification (germline): Likely pathogenic (1 of 4 stars; one submission).

Conditions:
Peroxisome biogenesis disorder. Identifiers: Orphanet 79189, MedGen C1832200, MONDO:0019234. Disease mechanism: loss of function.

Submission:

Labcorp Genetics (formerly Invitae), Labcorp
Classification: Likely pathogenic for Peroxisome biogenesis disorder. Last evaluated: 2022-10-13. Review status: criteria provided, single submitter. Criteria: Invitae Variant Classification Sherloc (09022015). Collection method: clinical testing. Allele origin: germline.
Comment: In summary, the currently available evidence indicates that the variant is pathogenic, but additional data are needed to prove that conclusively. Therefore, this variant has been classified as Likely Pathogenic. Algorithms developed to predict the effect of sequence changes on RNA splicing suggest that this variant may disrupt the consensus splice site. ClinVar contains an entry for this variant (Variation ID: 970531). Disruption of this splice site has been observed in individual(s) with Zellweger syndrome (PMID: 19877282). This variant is not present in population databases (gnomAD no frequency). This sequence change affects an acceptor splice site in intron 15 of the PEX6 gene. It is expected to disrupt RNA splicing. Variants that disrupt the donor or acceptor splice site typically lead to a loss of protein function (PMID: 16199547), and loss-of-function variants in PEX6 are known to be pathogenic (PMID: 8670792, 19877282, 21031596).

Literature cited by the submitters: PubMed 19877282; PubMed 16199547; PubMed 8670792; PubMed 21031596.